The following is an entry in ClinVar:

NM_173630.4(RTTN):c.1869G>T (p.Leu623Phe)

Gene: RTTN (rotatin; minus strand). Cytogenetic location: 18q22.2.
Variant type: single nucleotide variant.
Coding change: c.1869G>T on transcript NM_173630.4 (MANE Select); coding-DNA position 1869, G replaced by T.
Protein change: p.Leu623Phe; replaces leucine 623 with phenylalanine.
Molecular consequence: missense variant. On other transcripts: 5 prime UTR variant (1).
Genome position (GRCh38, 1-based): chr18:70,166,122, C>A on the plus strand (G>T on the coding strand, the complement: RTTN is on the minus strand). VCF-style: chr18-70166122-C-A. GRCh37 (hg19) VCF-style: chr18-67833358-C-A.
Other names: c.-779G>T (NM_001318520.2); c.1869G>T (NM_173630.3); short protein forms L623F.
Identifiers: ClinVar variation 444436 (VCV000444436.7), dbSNP rs757634334, ClinGen allele CA8996064.

ClinVar aggregate classification (germline): Uncertain significance. Review status: criteria provided, multiple submitters, no conflicts (2 of 4 stars). 3 submissions from 3 submitters: Uncertain significance (3). Last evaluated 2025-09-07.

Conditions:
Inborn genetic diseases. Identifiers: MedGen C0950123, MeSH D030342.

Allele frequency attached by ClinVar (database versions not stated): gnomAD exomes 0.00002; ExAC 0.00003.
gnomAD v4.1: 53 of 1,613,660 alleles (0.0033%); highest among the groups gnomAD compares: South Asian, 0.021%; no homozygotes.

Submissions (3):

Labcorp Genetics (formerly Invitae), Labcorp
Classification: Uncertain significance. Last evaluated: 2025-09-07. Review status: criteria provided, single submitter. Criteria: Invitae Variant Classification Sherloc (09022015). Collection method: clinical testing. Allele origin: germline.
Comment: This sequence change replaces leucine, which is neutral and non-polar, with phenylalanine, which is neutral and non-polar, at codon 623 of the RTTN protein (p.Leu623Phe). This variant is present in population databases (rs757634334, gnomAD 0.01%). This variant has not been reported in the literature in individuals affected with RTTN-related conditions. ClinVar contains an entry for this variant (Variation ID: 444436). Invitae Evidence Modeling of protein sequence and biophysical properties (such as structural, functional, and spatial information, amino acid conservation, physicochemical variation, residue mobility, and thermodynamic stability) indicates that this missense variant is not expected to disrupt RTTN protein function with a negative predictive value of 80%. In summary, the available evidence is currently insufficient to determine the role of this variant in disease. Therefore, it has been classified as a Variant of Uncertain Significance.

Ambry Genetics
Classification: Uncertain significance for Inborn genetic diseases. Last evaluated: 2023-08-15. Review status: criteria provided, single submitter. Criteria: Ambry Variant Classification Scheme 2023. Collection method: clinical testing. Allele origin: germline.

CeGaT Center for Human Genetics Tuebingen
Classification: Uncertain significance. Last evaluated: 2017-03-31. Review status: criteria provided, single submitter. Criteria: Praxis fuer Humangenetik Tuebingen - Variant Classification Criteria. Collection method: clinical testing. Allele origin: germline. Affected: yes. Observed: 1 variant allele.